The following is an entry in ClinVar:

NM_001291415.2(KDM6A):c.2233G>T (p.Gly745Trp)

Gene: KDM6A (lysine demethylase 6A; plus strand). Cytogenetic location: Xp11.3.
Variant type: single nucleotide variant.
Coding change: c.2233G>T on transcript NM_001291415.2 (MANE Select); coding-DNA position 2233, G replaced by T.
Protein change: p.Gly745Trp; replaces glycine 745 with tryptophan.
Molecular consequence: missense variant. On other transcripts: non-coding transcript variant (1).
Genome position (GRCh38, 1-based): chrX:45,069,732, G>T. VCF-style: chrX-45069732-G-T. GRCh37 (hg19) VCF-style: chrX-44928977-G-T.
Other names: c.2098G>T, p.Gly700Trp (NM_001291416.2); c.1942G>T, p.Gly648Trp (NM_001291417.2); c.1840G>T, p.Gly614Trp (NM_001291418.2); c.1189G>T, p.Gly397Trp (NM_001291421.2); c.1975G>T, p.Gly659Trp (NM_001410742.1); c.2077G>T, p.Gly693Trp (NM_021140.4); short protein forms G397W, G614W, G648W, G659W, G693W, G700W, G745W.
Identifiers: ClinVar variation 1716790 (VCV001716790.5), dbSNP rs1044524871, ClinGen allele CA329049744.
Genomic context (GRCh38, chrX:45,069,732, plus strand): 5'-GGCTCTGGTATTCAGAATCAGAACGGACATCCCACCCTGCCTAGCAATTCAGTAACACAG[G>T]GGGCTGCTCTCAATCACCTCTCCTCTCACACTGCTACCTCAGGTGGACAACAAGGCATTA-3'
Protein context (NP_001278344.1, residues 735-755): PTLPSNSVTQ[Gly745Trp]AALNHLSSHT

ClinVar aggregate classification (germline): Uncertain significance (1 of 4 stars; one submission).

Conditions:
Kabuki syndrome 2 (KABUK2). Also called: KDM6A-Related Kabuki Syndrome. Identifiers: Orphanet 2322, MedGen C3275495, MONDO:0010465, OMIM 300867.

Allele frequency attached by ClinVar (database versions not stated): gnomAD 0.00001; TOPMed 0.00002.
gnomAD v4.1: 1 of 1,207,495 alleles (0.000083%); highest among the groups gnomAD compares: African/African-American, 0.0018%; no homozygotes.

Submission:

Labcorp Genetics (formerly Invitae), Labcorp
Classification: Uncertain significance for Kabuki syndrome 2. Last evaluated: 2024-10-25. Review status: criteria provided, single submitter. Criteria: Invitae Variant Classification Sherloc (09022015). Collection method: clinical testing. Allele origin: germline.
Comment: This sequence change replaces glycine, which is neutral and non-polar, with tryptophan, which is neutral and slightly polar, at codon 693 of the KDM6A protein (p.Gly693Trp). This variant is not present in population databases (gnomAD no frequency). This variant has not been reported in the literature in individuals affected with KDM6A-related conditions. ClinVar contains an entry for this variant (Variation ID: 1716790). Invitae Evidence Modeling of protein sequence and biophysical properties (such as structural, functional, and spatial information, amino acid conservation, physicochemical variation, residue mobility, and thermodynamic stability) indicates that this missense variant is not expected to disrupt KDM6A protein function with a negative predictive value of 80%. In summary, the available evidence is currently insufficient to determine the role of this variant in disease. Therefore, it has been classified as a Variant of Uncertain Significance.